The following is an entry in ClinVar:

ClinVar aggregate classification (germline): Uncertain significance (1 of 4 stars; one submission).

Allele frequency attached by ClinVar (database versions not stated): ExAC 0.00001; gnomAD 0.00001; gnomAD exomes 0.00001 and 0.00002; TOPMed 0.00002.
gnomAD v4.1: 11 of 1,614,092 alleles (0.00068%); highest among the groups gnomAD compares: Admixed American, 0.018%; 1 homozygote.

Submission:

Labcorp Genetics (formerly Invitae), Labcorp
Classification: Uncertain significance. Last evaluated: 2022-08-08. Review status: criteria provided, single submitter. Criteria: Invitae Variant Classification Sherloc (09022015). Collection method: clinical testing. Allele origin: germline.
Comment: This sequence change replaces isoleucine, which is neutral and non-polar, with valine, which is neutral and non-polar, at codon 1479 of the CEP250 protein (p.Ile1479Val). This variant is present in population databases (rs775005555, gnomAD 0.02%). This variant has not been reported in the literature in individuals affected with CEP250-related conditions. ClinVar contains an entry for this variant (Variation ID: 939277). Algorithms developed to predict the effect of missense changes on protein structure and function are either unavailable or do not agree on the potential impact of this missense change (SIFT: "Not Available"; PolyPhen-2: "Probably Damaging"; Align-GVGD: "Not Available"). In summary, the available evidence is currently insufficient to determine the role of this variant in disease. Therefore, it has been classified as a Variant of Uncertain Significance.

NM_007186.6(CEP250):c.4435A>G (p.Ile1479Val)

Gene: CEP250 (centrosomal protein 250; plus strand). Cytogenetic location: 20q11.22.
Variant type: single nucleotide variant.
Coding change: c.4435A>G on transcript NM_007186.6 (MANE Select); coding-DNA position 4435, A replaced by G.
Protein change: p.Ile1479Val; replaces isoleucine 1479 with valine.
Molecular consequence: missense variant.
Genome position (GRCh38, 1-based): chr20:35,502,804, A>G. VCF-style: chr20-35502804-A-G. GRCh37 (hg19) VCF-style: chr20-34090632-A-G.
Other names: c.2539A>G, p.Ile847Val (NM_001318219.1); short protein forms I847V, I1479V.
Identifiers: ClinVar variation 939277 (VCV000939277.7), dbSNP rs775005555, ClinGen allele CA9833716.
Genomic context (GRCh38, chr20:35,502,804, plus strand): 5'-GAATTGCTGTCTCTGGACCTGAAGAAGAGGAACCAAGAGGTAGATCTGCAGCAAGAACAG[A>G]TTCAGGAGCTAGAGAAGTGTAGGTCTGTTTTAGAGCATCTGCCCATGGCCGTCCAGGAGC-3'
Protein context (NP_009117.2, residues 1469-1489): NQEVDLQQEQ[Ile1479Val]QELEKCRSVL